The following is an entry in ClinVar:

ClinVar aggregate classification (germline): Uncertain significance. Review status: criteria provided, multiple submitters, no conflicts (2 of 4 stars). 5 submissions from 5 submitters: Uncertain significance (5). Last evaluated 2025-12-08.

Conditions:
Myofibrillar myopathy 5. Also called: Filaminopathy (type); FILAMINOPATHY, AUTOSOMAL DOMINANT. Identifiers: Orphanet 171445, MedGen C1836050, MONDO:0012289, OMIM 609524.
Distal myopathy with posterior leg and anterior hand involvement. Also called: WILLIAMS DISTAL MYOPATHY. Identifiers: Orphanet 63273, MedGen C3279722, MONDO:0013550, OMIM 614065.
Hypertrophic cardiomyopathy 26. Also called: Cardiomyopathy, familial hypertrophic, 26. Identifiers: Orphanet 75249, MedGen C4310749, MONDO:0014883, OMIM 617047.
Cardiovascular phenotype. Identifiers: MedGen CN230736.

Allele frequency attached by ClinVar (database versions not stated): gnomAD 0.00001; TOPMed 0.00001; ExAC 0.00003.
gnomAD v4.1: 32 of 1,613,722 alleles (0.002%); highest among the groups gnomAD compares: Non-Finnish European, 0.0025%; no homozygotes.

Submissions (5):

Labcorp Genetics (formerly Invitae), Labcorp
Classification: Uncertain significance for Distal myopathy with posterior leg and anterior hand involvement; Myofibrillar myopathy 5; Hypertrophic cardiomyopathy 26. Last evaluated: 2025-12-08. Review status: criteria provided, single submitter. Criteria: Invitae Variant Classification Sherloc (09022015). Collection method: clinical testing. Allele origin: germline.
Comment: This sequence change replaces aspartic acid, which is acidic and polar, with asparagine, which is neutral and polar, at codon 1249 of the FLNC protein (p.Asp1249Asn). This variant is present in population databases (rs774968828, gnomAD 0.004%). This variant has not been reported in the literature in individuals affected with FLNC-related conditions. ClinVar contains an entry for this variant (Variation ID: 539405). Invitae Evidence Modeling of protein sequence and biophysical properties (such as structural, functional, and spatial information, amino acid conservation, physicochemical variation, residue mobility, and thermodynamic stability) has been performed for this missense variant. However, the output from this modeling did not meet the statistical confidence thresholds required to predict the impact of this variant on FLNC protein function. In summary, the available evidence is currently insufficient to determine the role of this variant in disease. Therefore, it has been classified as a Variant of Uncertain Significance.

Ambry Genetics
Classification: Uncertain significance for Cardiovascular phenotype. Last evaluated: 2024-04-27. Review status: criteria provided, single submitter. Criteria: Ambry Variant Classification Scheme 2023. Collection method: clinical testing. Allele origin: germline.
Comment: The p.D1249N variant (also known as c.3745G>A), located in coding exon 21 of the FLNC gene, results from a G to A substitution at nucleotide position 3745. The aspartic acid at codon 1249 is replaced by asparagine, an amino acid with highly similar properties. This amino acid position is conserved. In addition, the in silico prediction for this alteration is inconclusive. Since supporting evidence is limited at this time, the clinical significance of this alteration remains unclear.

Blueprint Genetics
Classification: Uncertain significance. Last evaluated: 2024-03-11. Review status: criteria provided, single submitter. Criteria: ACMG Guidelines, 2015. Collection method: clinical testing. Allele origin: germline.

Revvity Omics, Revvity
Classification: Uncertain significance. Last evaluated: 2022-09-14. Review status: criteria provided, single submitter. Criteria: ACMG Guidelines, 2015. Collection method: clinical testing. Allele origin: germline.

Clinical Genomics Laboratory, Stanford Medicine
Classification: Uncertain significance for Hypertrophic cardiomyopathy 26; Distal myopathy with posterior leg and anterior hand involvement; Myofibrillar myopathy 5. Last evaluated: 2021-12-28. Review status: criteria provided, single submitter. Criteria: ACMG Guidelines, 2015. Collection method: clinical testing. Allele origin: germline. Observed: 1 variant allele, 1 heterozygote.
Comment: The p.Asp1249Asn variant in the FLNC gene has not been previously reported in association with disease. This variant has been identified in 4/110,956 European (non-Finnish) chromosomes by the Genome Aggregation Database. Computational tools predict that this variant is deleterious; however, the accuracy of in silico algorithms is limited. These data were assessed using the ACMG/AMP variant interpretation guidelines. In summary, the significance of the p.Asp1249Asn variant is uncertain. Additional information is needed to resolve the significance of this variant. [ACMG evidence codes used: PM2; PP3]

NM_001458.5(FLNC):c.3745G>A (p.Asp1249Asn)

Gene: FLNC (filamin C; plus strand). Cytogenetic location: 7q32.1.
Variant type: single nucleotide variant.
Coding change: c.3745G>A on transcript NM_001458.5 (MANE Select); coding-DNA position 3745, G replaced by A.
Protein change: p.Asp1249Asn; replaces aspartic acid 1249 with asparagine.
Molecular consequence: missense variant.
Genome position (GRCh38, 1-based): chr7:128,845,210, G>A. VCF-style: chr7-128845210-G-A. GRCh37 (hg19) VCF-style: chr7-128485264-G-A.
Other names: c.3745G>A, p.Asp1249Asn (NM_001127487.2); short protein forms D1249N.
Identifiers: ClinVar variation 539405 (VCV000539405.18), dbSNP rs774968828, ClinGen allele CA4475114.